The following is an entry in ClinVar:

NM_032242.4(PLXNA1):c.4773+10G>A

Gene: PLXNA1 (plexin A1; plus strand). Cytogenetic location: 3q21.3.
Variant type: single nucleotide variant.
Coding change: c.4773+10G>A on transcript NM_032242.4 (MANE Select); 10 bases into the intron after coding-DNA position 4773, G replaced by A.
Molecular consequence: intron variant.
Genome position (GRCh38, 1-based): chr3:127,029,106, G>A. VCF-style: chr3-127029106-G-A. GRCh37 (hg19) VCF-style: chr3-126747949-G-A.
Identifiers: ClinVar variation 4986069 (VCV004986069.1).

ClinVar aggregate classification (germline): Likely benign (1 of 4 stars; one submission).

Conditions:
PLXNA1-related disorder. Also called: PLXNA1-related condition.

gnomAD v4.1: 5 of 1,608,896 alleles (0.00031%); highest among the groups gnomAD compares: South Asian, 0.0011%; no homozygotes.

Submission:

PreventionGenetics, part of Exact Sciences
Classification: Likely benign for PLXNA1-related condition. Last evaluated: 2024-12-18. Review status: criteria provided, single submitter. Criteria: ACMG Guidelines, 2015. Collection method: clinical testing. Allele origin: germline.
Comment: This variant is classified as likely benign based on ACMG/AMP sequence variant interpretation guidelines (Richards et al. 2015 PMID: 25741868, with internal and published modifications).